The following is an entry in ClinVar:

NM_000256.3(MYBPC3):c.2291T>G (p.Leu764Arg)

Gene: MYBPC3 (myosin binding protein C3; minus strand). Cytogenetic location: 11p11.2.
Variant type: single nucleotide variant.
Coding change: c.2291T>G on transcript NM_000256.3 (MANE Select); coding-DNA position 2291, T replaced by G.
Protein change: p.Leu764Arg; replaces leucine 764 with arginine.
Molecular consequence: missense variant.
Genome position (GRCh38, 1-based): chr11:47,338,537, A>C on the plus strand (T>G on the coding strand, the complement: MYBPC3 is on the minus strand). VCF-style: chr11-47338537-A-C. GRCh37 (hg19) VCF-style: chr11-47360088-A-C.
Other names: short protein forms L764R.
Identifiers: ClinVar variation 1375209 (VCV001375209.9), dbSNP rs2142856528, ClinGen allele CA380320168.

ClinVar aggregate classification (germline): Uncertain significance. Review status: criteria provided, multiple submitters, no conflicts (2 of 4 stars). 3 submissions from 3 submitters: Uncertain significance (3). Last evaluated 2023-09-18.

Conditions:
Hypertrophic cardiomyopathy. Also called: HYPERTROPHIC MYOCARDIOPATHY. Identifiers: Orphanet 217569, MedGen C0007194, MeSH D002312, MONDO:0005045, HP:0001639.
Cardiomyopathy (CMYO). Also called: Cardiomyopathies. Identifiers: Orphanet 167848, MedGen C0878544, MONDO:0004994, HP:0001638. Inheritance: Various modes of inheritance.

Submissions (3):

Labcorp Genetics (formerly Invitae), Labcorp
Classification: Uncertain significance for Hypertrophic cardiomyopathy. Last evaluated: 2023-09-18. Review status: criteria provided, single submitter. Criteria: Invitae Variant Classification Sherloc (09022015). Collection method: clinical testing. Allele origin: germline.
Comment: This sequence change replaces leucine, which is neutral and non-polar, with arginine, which is basic and polar, at codon 764 of the MYBPC3 protein (p.Leu764Arg). This variant is not present in population databases (gnomAD no frequency). This variant has not been reported in the literature in individuals affected with MYBPC3-related conditions. ClinVar contains an entry for this variant (Variation ID: 1375209). An algorithm developed to predict the effect of missense changes on protein structure and function (PolyPhen-2) suggests that this variant is likely to be disruptive. In summary, the available evidence is currently insufficient to determine the role of this variant in disease. Therefore, it has been classified as a Variant of Uncertain Significance.

All of Us Research Program, National Institutes of Health
Classification: Uncertain significance for Hypertrophic cardiomyopathy. Last evaluated: 2023-04-10. Review status: criteria provided, single submitter. Criteria: ACMG Guidelines, 2015. Collection method: clinical testing. Allele origin: germline. Inheritance: Autosomal dominant inheritance. Observed: 1 variant allele, 1 heterozygote.
Comment: This missense variant replaces leucine with arginine at codon 764 of the MYBPC3 protein. Computational prediction is inconclusive regarding the impact of this variant on protein structure and function (internally defined REVEL score threshold 0.5 < inconclusive < 0.7, PMID: 27666373). To our knowledge, functional studies have not been reported for this variant. This variant has not been reported in individuals affected with MYBPC3-related disorders in the literature. This variant has not been identified in the general population by the Genome Aggregation Database (gnomAD). The available evidence is insufficient to determine the role of this variant in disease conclusively. Therefore, this variant is classified as a Variant of Uncertain Significance.

This study involves interpretation of variants in research participants for the purpose of population health screening. Participant phenotype was not available at the time of variant classification. Additional details can be found in publication PMID: 35346344, PMCID: PMC8962531

Color Diagnostics, LLC DBA Color Health
Classification: Uncertain significance for Cardiomyopathy. Last evaluated: 2022-11-06. Review status: criteria provided, single submitter. Criteria: ACMG Guidelines, 2015. Collection method: clinical testing. Allele origin: germline.
Comment: This missense variant replaces leucine with arginine at codon 764 of the MYBPC3 protein. Computational prediction is inconclusive regarding the impact of this variant on protein structure and function (internally defined REVEL score threshold 0.5 < inconclusive < 0.7, PMID: 27666373). To our knowledge, functional studies have not been reported for this variant. This variant has not been reported in individuals affected with MYBPC3-related disorders in the literature. This variant has not been identified in the general population by the Genome Aggregation Database (gnomAD). The available evidence is insufficient to determine the role of this variant in disease conclusively. Therefore, this variant is classified as a Variant of Uncertain Significance.